The following is an entry in ClinVar:

NM_015335.5(MED13L):c.806T>C (p.Val269Ala)

Gene: MED13L (mediator complex subunit 13L; minus strand). Cytogenetic location: 12q24.21.
Variant type: single nucleotide variant.
Coding change: c.806T>C on transcript NM_015335.5 (MANE Select); coding-DNA position 806, T replaced by C.
Protein change: p.Val269Ala; replaces valine 269 with alanine.
Molecular consequence: missense variant.
Genome position (GRCh38, 1-based): chr12:116,019,792, A>G on the plus strand (T>C on the coding strand, the complement: MED13L is on the minus strand). VCF-style: chr12-116019792-A-G. GRCh37 (hg19) VCF-style: chr12-116457597-A-G.
Other names: c.806T>C (NM_015335.4); short protein forms V269A.
Identifiers: ClinVar variation 3614705 (VCV003614705.3).

ClinVar aggregate classification (germline): Conflicting classifications of pathogenicity. Review status: criteria provided, conflicting classifications (1 of 4 stars). 2 submissions from 2 submitters: Uncertain significance (1); Likely benign (1). Last evaluated 2025-08-20.

Conditions:
Inborn genetic diseases. Identifiers: MedGen C0950123, MeSH D030342.
Dextro-looped transposition of the great arteries. Also called: Dextrotransposition of the great arteries. Identifiers: Orphanet 860, MedGen C3531771, MONDO:0019443, OMIM 608808, HP:0031348.

gnomAD v4.1: 2 of 1,613,954 alleles (0.00012%); highest among the groups gnomAD compares: Non-Finnish European, 0.00017%; no homozygotes.

Submissions (2):

Ambry Genetics
Classification: Likely benign for Inborn genetic diseases. Last evaluated: 2025-08-20. Review status: criteria provided, single submitter. Criteria: Ambry Variant Classification Scheme 2023. Collection method: clinical testing. Allele origin: germline.

Labcorp Genetics (formerly Invitae), Labcorp
Classification: Uncertain significance for Dextro-looped transposition of the great arteries. Last evaluated: 2024-09-17. Review status: criteria provided, single submitter. Criteria: Invitae Variant Classification Sherloc (09022015). Collection method: clinical testing. Allele origin: germline.
Comment: This sequence change replaces valine, which is neutral and non-polar, with alanine, which is neutral and non-polar, at codon 269 of the MED13L protein (p.Val269Ala). This variant is present in population databases (rs78045584, gnomAD 0.0009%). This variant has not been reported in the literature in individuals affected with MED13L-related conditions. Invitae Evidence Modeling of protein sequence and biophysical properties (such as structural, functional, and spatial information, amino acid conservation, physicochemical variation, residue mobility, and thermodynamic stability) has been performed for this missense variant. However, the output from this modeling did not meet the statistical confidence thresholds required to predict the impact of this variant on MED13L protein function. In summary, the available evidence is currently insufficient to determine the role of this variant in disease. Therefore, it has been classified as a Variant of Uncertain Significance.